The following is an entry in ClinVar:

NM_004048.4(B2M):c.68-2A>C

Gene: B2M (beta-2-microglobulin; plus strand). Cytogenetic location: 15q21.1.
Variant type: single nucleotide variant.
Coding change: c.68-2A>C on transcript NM_004048.4 (MANE Select); the canonical splice acceptor site of the intron before coding-DNA position 68, A replaced by C.
Molecular consequence: splice acceptor variant.
Genome position (GRCh38, 1-based): chr15:44,715,421, A>C. VCF-style: chr15-44715421-A-C. GRCh37 (hg19) VCF-style: chr15-45007619-A-C.
Identifiers: ClinVar variation 4808285 (VCV004808285.1).

ClinVar aggregate classification (germline): Likely pathogenic (1 of 4 stars; one submission).

Conditions:
Hypoproteinemia, hypercatabolic (IMD43). Also called: IMMUNODEFICIENCY 43; BETA-2-MICROGLOBULIN DEFICIENCY; B2M DEFICIENCY; MHC CLASS I DEFICIENCY 4. Identifiers: MedGen C1855796, MONDO:0009434, OMIM 241600.

Submission:

Labcorp Genetics (formerly Invitae), Labcorp
Classification: Likely pathogenic for Hypoproteinemia, hypercatabolic. Last evaluated: 2025-06-17. Review status: criteria provided, single submitter. Criteria: Invitae Variant Classification Sherloc (09022015). Collection method: clinical testing. Allele origin: germline.
Comment: This sequence change affects an acceptor splice site in intron 1 of the B2M gene. It is expected to disrupt RNA splicing. Variants that disrupt the donor or acceptor splice site typically lead to a loss of protein function (PMID: 16199547), and loss-of-function variants in B2M are known to be pathogenic (PMID: 25702838). This variant is not present in population databases (gnomAD no frequency). This variant has not been reported in the literature in individuals affected with B2M-related conditions. Algorithms developed to predict the effect of sequence changes on RNA splicing suggest that this variant may disrupt the consensus splice site. In summary, the currently available evidence indicates that the variant is pathogenic, but additional data are needed to prove that conclusively. Therefore, this variant has been classified as Likely Pathogenic.

Literature cited by the submitters: PubMed 16199547; PubMed 25702838.